The following is an entry in ClinVar:

ClinVar aggregate classification (germline): Benign/Likely benign. Review status: criteria provided, multiple submitters, no conflicts (2 of 4 stars). 8 submissions from 6 submitters: Benign (6); Likely benign (2). Last evaluated 2026-01-27.

Conditions:
Hereditary spherocytosis type 4. Also called: SLC4A1-Related Spherocytosis. Identifiers: Orphanet 822, MedGen C2675212, MONDO:0012981, OMIM 612653.
Hemolytic anemia. Identifiers: MedGen C0002878, MONDO:0003664, HP:0001878.
Autosomal dominant distal renal tubular acidosis (DRTA1). Also called: Renal Tubular Acidosis, Type I; RENAL TUBULAR ACIDOSIS, DISTAL, 1; RTA, CLASSIC TYPE; RTA, DISTAL TYPE, AUTOSOMAL DOMINANT; RTA, GRADIENT TYPE. Identifiers: Orphanet 93608, MedGen CN280572, MONDO:0008368, OMIM 179800.

Allele frequency attached by ClinVar (database versions not stated): gnomAD exomes 0.00046 and 0.00129; ExAC 0.00163; 1000 Genomes Project 0.00379; 1000 Genomes Project 30x 0.00390; gnomAD 0.00492 and 0.00529; TOPMed 0.00552; ESP Exome Variant Server 0.00646.
gnomAD v4.1: 1,462 of 1,614,192 alleles (0.091%); highest among the groups gnomAD compares: African/African-American, 1.7%; 16 homozygotes.

Submissions (8):

Labcorp Genetics (formerly Invitae), Labcorp
Classification: Benign. Last evaluated: 2026-01-27. Review status: criteria provided, single submitter. Criteria: Invitae Variant Classification Sherloc (09022015). Collection method: clinical testing. Allele origin: germline.

Mayo Clinic Laboratories, Mayo Clinic
Classification: Likely benign. Last evaluated: 2025-04-21. Review status: criteria provided, single submitter. Criteria: ACMG Guidelines, 2015. Collection method: clinical testing. Allele origin: germline. Observed: 14 variant alleles.
Comment: BS1, BP4, BP7

ARUP Laboratories, Molecular Genetics and Genomics, ARUP Laboratories
Classification: Benign. Last evaluated: 2024-01-18. Review status: criteria provided, single submitter. Criteria: ARUP Molecular Germline Variant Investigation Process 2024. Collection method: clinical testing. Allele origin: germline.

Illumina Laboratory Services, Illumina
Classification: Benign for Hereditary spherocytosis type 4. Last evaluated: 2018-01-13. Review status: criteria provided, single submitter. Criteria: ICSL Variant Classification Criteria 13 December 2019. Collection method: clinical testing. Allele origin: germline.
Comment: This variant was observed in the ICSL laboratory as part of a predisposition screen in an ostensibly healthy population. It had not been previously curated by ICSL or reported in the Human Gene Mutation Database (HGMD: prior to June 1st, 2018), and was therefore a candidate for classification through an automated scoring system. Utilizing variant allele frequency, disease prevalence and penetrance estimates, and inheritance mode, an automated score was calculated to assess if this variant is too frequent to cause the disease. Based on the score and internal cut-off values, a variant classified as benign is not then subjected to further curation. The score for this variant resulted in a classification of benign for this disease.

Illumina Laboratory Services, Illumina
Classification: Benign for Hemolytic anemia. Last evaluated: 2018-01-13. Review status: criteria provided, single submitter. Criteria: ICSL Variant Classification Criteria 13 December 2019. Collection method: clinical testing. Allele origin: germline.
Comment: the same text as in the submission from Illumina Laboratory Services, Illumina above.

Illumina Laboratory Services, Illumina
Classification: Benign for Autosomal dominant distal renal tubular acidosis. Last evaluated: 2018-01-13. Review status: criteria provided, single submitter. Criteria: ICSL Variant Classification Criteria 13 December 2019. Collection method: clinical testing. Allele origin: germline.
Comment: the same text as in the submission from Illumina Laboratory Services, Illumina above.

Breakthrough Genomics
Classification: Likely benign. Review status: criteria provided, single submitter. Criteria: ACMG Guidelines, 2015. Collection method: not provided. Allele origin: germline. Inheritance: Autosomal recessive inheritance. Affected: yes.

PreventionGenetics, part of Exact Sciences
Classification: Benign. Review status: criteria provided, single submitter. Criteria: ACMG Guidelines, 2015. Collection method: clinical testing. Allele origin: germline.

NM_000342.4(SLC4A1):c.1953C>T (p.His651=)

Gene: SLC4A1 (solute carrier family 4 member 1 (Diego blood group); minus strand). Cytogenetic location: 17q21.31.
Variant type: single nucleotide variant.
Coding change: c.1953C>T on transcript NM_000342.4 (MANE Select); coding-DNA position 1953, C replaced by T.
Protein change: p.His651=; no amino-acid change (histidine 651 retained).
Molecular consequence: synonymous variant.
Genome position (GRCh38, 1-based): chr17:44,254,600, G>A on the plus strand (C>T on the coding strand, the complement: SLC4A1 is on the minus strand). VCF-style: chr17-44254600-G-A. GRCh37 (hg19) VCF-style: chr17-42331968-G-A.
Other names: p.His651=.
Identifiers: ClinVar variation 255909 (VCV000255909.28), dbSNP rs5021, ClinGen allele CA8600160.
Genomic context (GRCh38, chr17:44,254,600, plus strand): 5'-AGCAGGCAGGGCGGAGGCAAACATCATCCAGATGGGAAACTCGGAACGCAAGCCCAGTGG[G>A]TGGATGACCCAGCCCCGGGCTGAGGAGTTGGACACCTTGAAGCCATCAGGCACCGAGAGT-3'
Protein context (NP_000333.1, residues 641-661): SNSSARGWVI[His651=]PLGLRSEFPI